The following is an entry in ClinVar:

ClinVar aggregate classification (germline): Uncertain significance. Review status: criteria provided, multiple submitters, no conflicts (2 of 4 stars). 3 submissions from 3 submitters: Uncertain significance (3). Last evaluated 2024-02-01.

Conditions:
Inborn genetic diseases. Identifiers: MedGen C0950123, MeSH D030342.
Autosomal recessive distal spinal muscular atrophy 1. Also called: SEVERE INFANTILE AXONAL NEUROPATHY WITH RESPIRATORY FAILURE; SPINAL MUSCULAR ATROPHY, DIAPHRAGMATIC; Spinal muscular atrophy with respiratory distress 1; NEURONOPATHY, DISTAL HEREDITARY MOTOR, HARDING TYPE VI; NEUROPATHY, DISTAL HEREDITARY MOTOR, AUTOSOMAL RECESSIVE 1; HMN VI. Identifiers: Orphanet 98920, MedGen C1858517, MONDO:0011436, OMIM 604320.
Charcot-Marie-Tooth disease axonal type 2S. Also called: CHARCOT-MARIE-TOOTH NEUROPATHY, TYPE 2S; CHARCOT-MARIE-TOOTH DISEASE, AXONAL, AUTOSOMAL RECESSIVE, TYPE 2S. Identifiers: Orphanet 443073, MedGen C4015349, MONDO:0014511, OMIM 616155.

Allele frequency attached by ClinVar (database versions not stated): gnomAD exomes below 0.00001 and 0.00001; ExAC 0.00001; gnomAD 0.00001; TOPMed 0.00001; ESP Exome Variant Server 0.00008.
gnomAD v4.1: 15 of 1,613,684 alleles (0.00093%); highest among the groups gnomAD compares: Non-Finnish European, 0.0013%; no homozygotes.

Submissions (3):

CeGaT Center for Human Genetics Tuebingen
Classification: Uncertain significance. Last evaluated: 2024-02-01. Review status: criteria provided, single submitter. Criteria: CeGaT Center For Human Genetics Tuebingen Variant Classification Criteria Version 2. Collection method: clinical testing. Allele origin: germline. Affected: yes. Observed: 1 variant allele.
Comment: IGHMBP2: PM2

Ambry Genetics
Classification: Uncertain significance for Inborn genetic diseases. Last evaluated: 2023-11-22. Review status: criteria provided, single submitter. Criteria: Ambry Variant Classification Scheme 2023. Collection method: clinical testing. Allele origin: germline.

Labcorp Genetics (formerly Invitae), Labcorp
Classification: Uncertain significance for Autosomal recessive distal spinal muscular atrophy 1; Charcot-Marie-Tooth disease axonal type 2S. Last evaluated: 2021-09-01. Review status: criteria provided, single submitter. Criteria: Invitae Variant Classification Sherloc (09022015). Collection method: clinical testing. Allele origin: germline.
Comment: This sequence change replaces cysteine with serine at codon 385 of the IGHMBP2 protein (p.Cys385Ser). The cysteine residue is moderately conserved and there is a moderate physicochemical difference between cysteine and serine. This variant is present in population databases (rs372477029, ExAC 0.002%). This variant has not been reported in the literature in individuals affected with IGHMBP2-related conditions. Algorithms developed to predict the effect of missense changes on protein structure and function are either unavailable or do not agree on the potential impact of this missense change (SIFT: "Tolerated"; PolyPhen-2: "Probably Damaging"; Align-GVGD: "Class C0"). In summary, the available evidence is currently insufficient to determine the role of this variant in disease. Therefore, it has been classified as a Variant of Uncertain Significance.

NM_002180.3(IGHMBP2):c.1154G>C (p.Cys385Ser)

Gene: IGHMBP2 (immunoglobulin mu DNA binding protein 2; plus strand). Cytogenetic location: 11q13.3.
Variant type: single nucleotide variant.
Coding change: c.1154G>C on transcript NM_002180.3 (MANE Select); coding-DNA position 1154, G replaced by C.
Protein change: p.Cys385Ser; replaces cysteine 385 with serine.
Molecular consequence: missense variant.
Genome position (GRCh38, 1-based): chr11:68,929,276, G>C. VCF-style: chr11-68929276-G-C. GRCh37 (hg19) VCF-style: chr11-68696744-G-C.
Other names: short protein forms C385S.
Identifiers: ClinVar variation 856185 (VCV000856185.30), dbSNP rs372477029, ClinGen allele CA6153534.